The following is an entry in ClinVar:

ClinVar aggregate classification (germline): Benign/Likely benign. Review status: criteria provided, multiple submitters, no conflicts (2 of 4 stars). 8 submissions from 8 submitters: Benign (1); Likely benign (7). Last evaluated 2025-11-10.

Conditions:
Hereditary nonpolyposis colorectal neoplasms. Identifiers: MedGen C0009405, MeSH D003123.
Lynch syndrome. Identifiers: Orphanet 144, MedGen C4552100, MONDO:0005835. Disease mechanism: loss of function.
Lynch syndrome 4 (LYNCH4). Also called: Colorectal cancer, hereditary nonpolyposis, type 4; Hereditary non-polyposis colorectal cancer, type 4. Identifiers: Orphanet 144, MedGen C1838333, MONDO:0013699, OMIM 614337. Disease mechanism: loss of function.
Hereditary cancer-predisposing syndrome. Also called: Tumor predisposition; Hereditary Cancer Syndrome; Neoplastic Syndromes, Hereditary; Hereditary neoplastic syndrome. Identifiers: Orphanet 140162, MedGen C0027672, MeSH D009386, MONDO:0015356.

Allele frequency attached by ClinVar (database versions not stated): ExAC 0.00001; gnomAD exomes 0.00002; gnomAD 0.00003.
gnomAD v4.1: 13 of 1,569,500 alleles (0.00083%); highest among the groups gnomAD compares: East Asian, 0.0067%; no homozygotes.

Submissions (8):

Labcorp Genetics (formerly Invitae), Labcorp
Classification: Likely benign for Hereditary nonpolyposis colorectal neoplasms. Last evaluated: 2025-11-10. Review status: criteria provided, single submitter. Criteria: Invitae Variant Classification Sherloc (09022015). Collection method: clinical testing. Allele origin: germline.

Myriad Genetics, Inc.
Classification: Benign for Lynch syndrome 4. Last evaluated: 2025-01-29. Review status: criteria provided, single submitter. Criteria: Myriad Autosomal Dominant, Autosomal Recessive and X-Linked Classification Criteria (2023). Collection method: clinical testing. Allele origin: unknown.
Comment: This variant is considered benign. This variant is a silent/synonymous amino acid change and it is not expected to impact splicing.

Blueprint Genetics
Classification: Likely benign. Last evaluated: 2024-05-03. Review status: criteria provided, single submitter. Criteria: ACMG Guidelines, 2015. Collection method: clinical testing. Allele origin: germline.

All of Us Research Program, National Institutes of Health
Classification: Likely benign for Lynch syndrome. Last evaluated: 2023-11-30. Review status: criteria provided, single submitter. Criteria: ACMG Guidelines, 2015. Collection method: clinical testing. Allele origin: germline. Inheritance: Autosomal dominant inheritance. Observed: 4 variant alleles, 4 heterozygotes.
Comment: This study involves interpretation of variants in research participants for the purpose of population health screening. Participant phenotype was not available at the time of variant classification. Additional details can be found in publication PMID: 35346344, PMCID: PMC8962531

Women's Health and Genetics/Laboratory Corporation of America, LabCorp
Classification: Likely benign. Last evaluated: 2020-09-28. Review status: criteria provided, single submitter. Criteria: LabCorp Variant Classification Summary - May 2015. Collection method: clinical testing. Allele origin: germline.

GeneDx
Classification: Likely benign. Last evaluated: 2017-10-20. Review status: criteria provided, single submitter. Criteria: GeneDx Variant Classification (06012015). Collection method: clinical testing. Allele origin: germline. Affected: yes.
Comment: This variant is considered likely benign or benign based on one or more of the following criteria: it is a conservative change, it occurs at a poorly conserved position in the protein, it is predicted to be benign by multiple in silico algorithms, and/or has population frequency not consistent with disease.

Color Diagnostics, LLC DBA Color Health
Classification: Likely benign for Hereditary cancer-predisposing syndrome. Last evaluated: 2016-05-11. Review status: criteria provided, single submitter. Criteria: ACMG Guidelines, 2015. Collection method: clinical testing. Allele origin: germline.

Ambry Genetics
Classification: Likely benign for Hereditary cancer-predisposing syndrome. Last evaluated: 2016-02-28. Review status: criteria provided, single submitter. Criteria: Ambry Variant Classification Scheme 2023. Collection method: clinical testing. Allele origin: germline.

NM_000535.7(PMS2):c.915C>T (p.Leu305=)

Gene: PMS2 (PMS1 homolog 2, mismatch repair system component; minus strand). Cytogenetic location: 7p22.1.
Variant type: single nucleotide variant.
Coding change: c.915C>T on transcript NM_000535.7 (MANE Select); coding-DNA position 915, C replaced by T.
Protein change: p.Leu305=; no amino-acid change (leucine 305 retained).
Molecular consequence: synonymous variant. On other transcripts: 5 prime UTR variant (2), non-coding transcript variant (1).
Genome position (GRCh38, 1-based): chr7:5,992,046, G>A on the plus strand (C>T on the coding strand, the complement: PMS2 is on the minus strand). VCF-style: chr7-5992046-G-A. GRCh37 (hg19) VCF-style: chr7-6031677-G-A.
Other names: c.510C>T, p.Leu170= (NM_001322003.2, NM_001322004.2, NM_001322005.2 and 2 more transcripts); c.915C>T, p.Leu305= (NM_001322006.2, NM_001322014.2); c.597C>T, p.Leu199= (NM_001322007.2, NM_001322008.2); c.-19C>T (NM_001322011.2, NM_001322012.2); c.342C>T, p.Leu114= (NM_001322013.2); c.606C>T, p.Leu202= (NM_001322015.2).
Identifiers: ClinVar variation 480316 (VCV000480316.22), dbSNP rs767392742, ClinGen allele CA052483.
Genomic context (GRCh38, chr7:5,992,046, plus strand): 5'-AATGTTAAGAACAACAAATGGATACTGGTGTCGATTATACATGTGGTAGACCTCATTCAC[G>A]AGTCTGCAGACCTGCACAAAATACAAGGAGTAGAAAAGAATAAATGACAAATGTTCCCAG-3'
Protein context (NP_000526.2, residues 295-315): RPCDPAKVCR[Leu305=]VNEVYHMYNR